The following is an entry in ClinVar:

ClinVar aggregate classification (germline): Likely benign (1 of 4 stars; one submission).

Conditions:
Familial colorectal cancer type X. Identifiers: Orphanet 440437, MedGen C3896578, MONDO:0018604.

Submission:

Myriad Genetics, Inc.
Classification: Likely benign for Familial colorectal cancer type X. Last evaluated: 2026-07-31. Review status: criteria provided, single submitter. Criteria: Myriad Autosomal Dominant, Autosomal Recessive and X-Linked Classification Criteria (2023). Collection method: clinical testing. Allele origin: unknown.
Comment: This variant is considered likely benign. This variant is intronic and is not expected to impact mRNA splicing.

NM_001023.4(RPS20):c.178-9T>C

Gene: RPS20 (ribosomal protein S20; minus strand). Cytogenetic location: 8q12.1.
Variant type: single nucleotide variant.
Coding change: c.178-9T>C on transcript NM_001023.4 (MANE Select); 9 bases into the intron before coding-DNA position 178, T replaced by C.
Molecular consequence: intron variant.
Genome position (GRCh38, 1-based): chr8:56,073,281, A>G on the plus strand (T>C on the coding strand, the complement: RPS20 is on the minus strand). VCF-style: chr8-56073281-A-G. GRCh37 (hg19) VCF-style: chr8-56985840-A-G.
Other names: c.178-9T>C (NM_001146227.3).
Identifiers: ClinVar variation 5042336 (VCV005042336.1).